The following is an entry in ClinVar:

NM_001004127.3(ALG11):c.1160A>C (p.Glu387Ala)

Genes: ALG11 (ALG11 alpha-1,2-mannosyltransferase; plus strand), UTP14C (UTP14C small subunit processome component; plus strand). Cytogenetic location: 13q14.3.
Variant type: single nucleotide variant.
Coding change: c.1160A>C on transcript NM_001004127.3 (MANE Select); coding-DNA position 1160, A replaced by C.
Protein change: p.Glu387Ala; replaces glutamic acid 387 with alanine.
Molecular consequence: missense variant. On other transcripts: 5 prime UTR variant (1).
Genome position (GRCh38, 1-based): chr13:52,024,890, A>C. VCF-style: chr13-52024890-A-C. GRCh37 (hg19) VCF-style: chr13-52599026-A-C.
Other names: c.-534A>C (NM_021645.6); c.1160A>C (NM_001004127.2); short protein forms E387A.
Identifiers: ClinVar variation 1303283 (VCV001303283.11), dbSNP rs115524395, ClinGen allele CA6990025.
Genomic context (GRCh38, chr13:52,024,890, plus strand): 5'-AAGAATATGTGGAATTTAAAATAAACATTCCATTTGATGAATTAAAGAATTATTTGTCTG[A>C]AGCAACAATTGGTCTGCATACCATGTGGAACGAGCATTTTGGGATTGGTGAGTTTGGCCT-3'
Protein context (NP_001004127.2, residues 377-397): PFDELKNYLS[Glu387Ala]ATIGLHTMWN

ClinVar aggregate classification (germline): Uncertain significance. Review status: criteria provided, multiple submitters, no conflicts (2 of 4 stars). 4 submissions from 4 submitters: Uncertain significance (4). Last evaluated 2026-08-07.

Conditions:
Inborn genetic diseases. Identifiers: MedGen C0950123, MeSH D030342.
ALG11-congenital disorder of glycosylation. Also called: CONGENITAL DISORDER OF GLYCOSYLATION, TYPE Ip; ALG11-CDG. Identifiers: Orphanet 280071, MedGen C3150913, MONDO:0013349, OMIM 613661.

Allele frequency attached by ClinVar (database versions not stated): ESP Exome Variant Server 0.00031; gnomAD 0.00040 and 0.00044; 1000 Genomes Project 0.00080; TOPMed 0.00047; 1000 Genomes Project 30x 0.00094.
gnomAD v4.1: 127 of 1,613,206 alleles (0.0079%); highest among the groups gnomAD compares: African/African-American, 0.16%; no homozygotes.

Submissions (4):

GeneDx
Classification: Uncertain significance. Last evaluated: 2026-08-07. Review status: criteria provided, single submitter. Criteria: GeneDx Variant Classification Process June 2021. Collection method: clinical testing. Allele origin: germline.
Comment: Has not been previously published as pathogenic or benign to our knowledge; In silico analysis suggests that this missense variant does not alter protein structure/function

Ambry Genetics
Classification: Uncertain significance for Inborn genetic diseases. Last evaluated: 2025-01-24. Review status: criteria provided, single submitter. Criteria: Ambry Variant Classification Scheme 2023. Collection method: clinical testing. Allele origin: germline.

Fulgent Genetics
Classification: Uncertain significance for ALG11-congenital disorder of glycosylation. Last evaluated: 2024-02-22. Review status: criteria provided, single submitter. Criteria: ACMG Guidelines, 2015. Collection method: clinical testing. Allele origin: germline.

Labcorp Genetics (formerly Invitae), Labcorp
Classification: Uncertain significance for ALG11-congenital disorder of glycosylation. Last evaluated: 2021-11-11. Review status: criteria provided, single submitter. Criteria: Invitae Variant Classification Sherloc (09022015). Collection method: clinical testing. Allele origin: germline.
Comment: Algorithms developed to predict the effect of missense changes on protein structure and function (SIFT, PolyPhen-2, Align-GVGD) all suggest that this variant is likely to be tolerated. Algorithms developed to predict the effect of sequence changes on RNA splicing suggest that this variant may create or strengthen a splice site. In summary, the available evidence is currently insufficient to determine the role of this variant in disease. Therefore, it has been classified as a Variant of Uncertain Significance. This variant has not been reported in the literature in individuals affected with ALG11-related conditions. This sequence change replaces glutamic acid, which is acidic and polar, with alanine, which is neutral and non-polar, at codon 387 of the ALG11 protein (p.Glu387Ala). This variant is present in population databases (rs115524395, gnomAD 0.1%).